The following is an entry in ClinVar:

ClinVar aggregate classification (germline): Uncertain significance (1 of 4 stars; one submission).

Conditions:
Hereditary pheochromocytoma and paraganglioma. Also called: Hereditary Paraganglioma-Pheochromocytoma Syndromes; Hereditary pheochromocytoma-paraganglioma; Hereditary paragangliomas and pheochromocytomas. Identifiers: Orphanet 29072, MedGen C4274332, MONDO:0017366.

Allele frequency attached by ClinVar (database versions not stated): gnomAD exomes below 0.00001.
gnomAD v4.1: 1 of 1,614,158 alleles (0.000062%); highest among the groups gnomAD compares: Non-Finnish European, 0.000085%; no homozygotes.

Submission:

Labcorp Genetics (formerly Invitae), Labcorp
Classification: Uncertain significance for Hereditary pheochromocytoma and paraganglioma. Last evaluated: 2023-01-23. Review status: criteria provided, single submitter. Criteria: Invitae Variant Classification Sherloc (09022015). Collection method: clinical testing. Allele origin: germline.
Comment: In summary, the available evidence is currently insufficient to determine the role of this variant in disease. Therefore, it has been classified as a Variant of Uncertain Significance. Algorithms developed to predict the effect of missense changes on protein structure and function output the following: SIFT: "Tolerated"; PolyPhen-2: "Benign"; Align-GVGD: "Class C0". The asparagine amino acid residue is found in multiple mammalian species, which suggests that this missense change does not adversely affect protein function. This variant has not been reported in the literature in individuals affected with SDHAF2-related conditions. This variant is not present in population databases (gnomAD no frequency). This sequence change replaces serine, which is neutral and polar, with asparagine, which is neutral and polar, at codon 20 of the SDHAF2 protein (p.Ser20Asn).

NM_017841.4(SDHAF2):c.59G>A (p.Ser20Asn)

Gene: SDHAF2 (succinate dehydrogenase complex assembly factor 2; plus strand). Cytogenetic location: 11q12.2.
Variant type: single nucleotide variant.
Coding change: c.59G>A on transcript NM_017841.4 (MANE Select); coding-DNA position 59, G replaced by A.
Protein change: p.Ser20Asn; replaces serine 20 with asparagine.
Molecular consequence: missense variant.
Genome position (GRCh38, 1-based): chr11:61,437,647, G>A. VCF-style: chr11-61437647-G-A. GRCh37 (hg19) VCF-style: chr11-61205119-G-A.
Other names: short protein forms S20N.
Identifiers: ClinVar variation 2784083 (VCV002784083.3), dbSNP rs2134892121, ClinGen allele CA380682839.